The following is an entry in ClinVar:

NM_001370259.2(MEN1):c.1404G>A (p.Glu468=)

Gene: MEN1 (menin 1; minus strand). Cytogenetic location: 11q13.1.
Variant type: single nucleotide variant.
Coding change: c.1404G>A on transcript NM_001370259.2 (MANE Select); coding-DNA position 1404, G replaced by A.
Protein change: p.Glu468=; no amino-acid change (glutamic acid 468 retained).
Molecular consequence: synonymous variant.
Genome position (GRCh38, 1-based): chr11:64,804,763, C>T on the plus strand (G>A on the coding strand, the complement: MEN1 is on the minus strand). VCF-style: chr11-64804763-C-T. GRCh37 (hg19) VCF-style: chr11-64572235-C-T.
Other names: c.1419G>A, p.Glu473= (NM_000244.4, NM_130800.3, NM_130801.3 and 3 more transcripts); c.1530G>A, p.Glu510= (NM_001370251.2); c.1404G>A, p.Glu468= (NM_001370260.2, NM_001370261.2, NM_130799.3); c.1299G>A, p.Glu433= (NM_001370262.2, NM_001370263.2); c.1419G>A (NM_000244.3).
Identifiers: ClinVar variation 457295 (VCV000457295.48), dbSNP rs755734265, ClinGen allele CA060631.

ClinVar aggregate classification (germline): Benign/Likely benign. Review status: criteria provided, multiple submitters, no conflicts (2 of 4 stars). 9 submissions from 9 submitters: Benign (1); Likely benign (7). 1 of the submissions does not count toward it. Last evaluated 2026-01-30.

Conditions:
Hereditary cancer-predisposing syndrome. Also called: Hereditary neoplastic syndrome; Neoplastic Syndromes, Hereditary; Hereditary Cancer Syndrome; Tumor predisposition. Identifiers: Orphanet 140162, MedGen C0027672, MeSH D009386, MONDO:0015356.
MEN1-related disorder. Also called: MEN1-related condition.
Multiple endocrine neoplasia, type 1 (MEN1). Also called: MEA I; MEN I; WERMER SYNDROME; Endocrine adenomatosis multiple; MEN 1. Identifiers: Orphanet 652, MedGen C0025267, MeSH D018761, MONDO:0007540, OMIM 131100.

Allele frequency attached by ClinVar (database versions not stated): TOPMed below 0.00001; ExAC 0.00001; gnomAD 0.00001; gnomAD exomes 0.00001 and 0.00002.
gnomAD v4.1: 25 of 1,596,770 alleles (0.0016%); highest among the groups gnomAD compares: Non-Finnish European, 0.0018%; no homozygotes.

Submissions (9):

Labcorp Genetics (formerly Invitae), Labcorp
Classification: Likely benign for Multiple endocrine neoplasia, type 1. Last evaluated: 2026-01-30. Review status: criteria provided, single submitter. Criteria: Invitae Variant Classification Sherloc (09022015). Collection method: clinical testing. Allele origin: germline.

Myriad Genetics, Inc.
Classification: Benign for Multiple endocrine neoplasia, type 1. Last evaluated: 2024-11-05. Review status: criteria provided, single submitter. Criteria: Myriad Autosomal Dominant, Autosomal Recessive and X-Linked Classification Criteria (2023). Collection method: clinical testing. Allele origin: unknown.
Comment: This variant is considered benign. This variant is a silent/synonymous amino acid change and it is not expected to impact splicing.

All of Us Research Program, National Institutes of Health
Classification: Likely benign for Multiple endocrine neoplasia, type 1. Last evaluated: 2023-12-13. Review status: criteria provided, single submitter. Criteria: ACMG Guidelines, 2015. Collection method: clinical testing. Allele origin: germline. Inheritance: Autosomal dominant inheritance. Observed: 6 variant alleles, 6 heterozygotes.
Comment: This study involves interpretation of variants in research participants for the purpose of population health screening. Participant phenotype was not available at the time of variant classification. Additional details can be found in publication PMID: 35346344, PMCID: PMC8962531

CeGaT Center for Human Genetics Tuebingen
Classification: Likely benign. Last evaluated: 2023-05-01. Review status: criteria provided, single submitter. Criteria: CeGaT Center For Human Genetics Tuebingen Variant Classification Criteria Version 2. Collection method: clinical testing. Allele origin: germline. Affected: yes. Observed: 1 variant allele.
Comment: MEN1: BP4, BP7

Color Diagnostics, LLC DBA Color Health
Classification: Likely benign for Multiple endocrine neoplasia, type 1. Last evaluated: 2022-11-06. Review status: criteria provided, single submitter. Criteria: ACMG Guidelines, 2015. Collection method: clinical testing. Allele origin: germline.

ARUP Laboratories, Molecular Genetics and Genomics, ARUP Laboratories
Classification: Likely benign. Last evaluated: 2021-02-27. Review status: criteria provided, single submitter. Criteria: ARUP Molecular Germline Variant Investigation Process 2021. Collection method: clinical testing. Allele origin: germline.

GeneDx
Classification: Likely benign. Last evaluated: 2018-05-22. Review status: criteria provided, single submitter. Criteria: GeneDx Variant Classification (06012015). Collection method: clinical testing. Allele origin: germline. Affected: yes.
Comment: This variant is considered likely benign or benign based on one or more of the following criteria: it is a conservative change, it occurs at a poorly conserved position in the protein, it is predicted to be benign by multiple in silico algorithms, and/or has population frequency not consistent with disease.

Ambry Genetics
Classification: Likely benign for Hereditary cancer-predisposing syndrome. Last evaluated: 2017-05-17. Review status: criteria provided, single submitter. Criteria: Ambry Variant Classification Scheme 2023. Collection method: clinical testing. Allele origin: germline.

PreventionGenetics, part of Exact Sciences
Classification: Likely benign for MEN1-related condition. Last evaluated: 2019-09-23. Review status: no assertion criteria provided. Collection method: clinical testing. Allele origin: germline. Not counted in ClinVar's aggregate classification.
Comment: This variant is classified as likely benign based on ACMG/AMP sequence variant interpretation guidelines (Richards et al. 2015 PMID: 25741868, with internal and published modifications).